The following is an entry in ClinVar:

ClinVar aggregate classification (germline): Uncertain significance (1 of 4 stars; one submission).

Conditions:
Hypertrophic cardiomyopathy. Also called: HYPERTROPHIC MYOCARDIOPATHY. Identifiers: Orphanet 217569, MedGen C0007194, MeSH D002312, MONDO:0005045, HP:0001639.

Submission:

Labcorp Genetics (formerly Invitae), Labcorp
Classification: Uncertain significance for Hypertrophic cardiomyopathy. Last evaluated: 2023-09-26. Review status: criteria provided, single submitter. Criteria: Invitae Variant Classification Sherloc (09022015). Collection method: clinical testing. Allele origin: germline.
Comment: In summary, the available evidence is currently insufficient to determine the role of this variant in disease. Therefore, it has been classified as a Variant of Uncertain Significance. Advanced modeling of protein sequence and biophysical properties (such as structural, functional, and spatial information, amino acid conservation, physicochemical variation, residue mobility, and thermodynamic stability) performed at Invitae indicates that this missense variant is not expected to disrupt MYH7 protein function. This variant has not been reported in the literature in individuals affected with MYH7-related conditions. This variant is not present in population databases (gnomAD no frequency). This sequence change replaces methionine, which is neutral and non-polar, with leucine, which is neutral and non-polar, at codon 357 of the MYH7 protein (p.Met357Leu).

NM_000257.4(MYH7):c.1069A>T (p.Met357Leu)

Gene: MYH7 (myosin heavy chain 7; minus strand). Cytogenetic location: 14q11.2.
Variant type: single nucleotide variant.
Coding change: c.1069A>T on transcript NM_000257.4 (MANE Select); coding-DNA position 1069, A replaced by T.
Protein change: p.Met357Leu; replaces methionine 357 with leucine.
Molecular consequence: missense variant.
Genome position (GRCh38, 1-based): chr14:23,429,844, T>A on the plus strand (A>T on the coding strand, the complement: MYH7 is on the minus strand). VCF-style: chr14-23429844-T-A. GRCh37 (hg19) VCF-style: chr14-23899053-T-A.
Other names: c.1069A>T, p.Met357Leu (NM_001407004.1); short protein forms M357L.
Identifiers: ClinVar variation 2759669 (VCV002759669.2), dbSNP rs2502305460, ClinGen allele CA389051428.